The following is an entry in ClinVar:

ClinVar aggregate classification (germline): Uncertain significance. Review status: criteria provided, multiple submitters, no conflicts (2 of 4 stars). 2 submissions from 2 submitters: Uncertain significance (2). Last evaluated 2025-01-05.

Conditions:
Inborn genetic diseases. Identifiers: MedGen C0950123, MeSH D030342.
Baller-Gerold syndrome (BGS). Also called: CRANIOSYNOSTOSIS WITH RADIAL DEFECTS. Identifiers: Orphanet 1225, MedGen C0265308, MONDO:0009039, OMIM 218600.

Allele frequency attached by ClinVar (database versions not stated): ExAC 0.00001.

Submissions (2):

Ambry Genetics
Classification: Uncertain significance for Inborn genetic diseases. Last evaluated: 2025-01-05. Review status: criteria provided, single submitter. Criteria: Ambry Variant Classification Scheme 2023. Collection method: clinical testing. Allele origin: germline.
Comment: The p.G457R variant (also known as c.1369G>A), located in coding exon 7 of the RECQL4 gene, results from a G to A substitution at nucleotide position 1369. The glycine at codon 457 is replaced by arginine, an amino acid with dissimilar properties. This amino acid position is conserved. In addition, this alteration is predicted to be tolerated by in silico analysis. Based on the available evidence, the clinical significance of this variant remains unclear.

Labcorp Genetics (formerly Invitae), Labcorp
Classification: Uncertain significance for Baller-Gerold syndrome. Last evaluated: 2022-01-12. Review status: criteria provided, single submitter. Criteria: Invitae Variant Classification Sherloc (09022015). Collection method: clinical testing. Allele origin: germline.
Comment: Experimental studies and prediction algorithms are not available or were not evaluated, and the functional significance of this variant is currently unknown. In summary, the available evidence is currently insufficient to determine the role of this variant in disease. Therefore, it has been classified as a Variant of Uncertain Significance. This variant has not been reported in the literature in individuals affected with RECQL4-related conditions. This variant is present in population databases (rs750720279, gnomAD 0.0009%). This sequence change replaces glycine, which is neutral and non-polar, with arginine, which is basic and polar, at codon 457 of the RECQL4 protein (p.Gly457Arg).

NM_004260.4(RECQL4):c.1369G>A (p.Gly457Arg)

Gene: RECQL4 (RecQ like helicase 4; minus strand). Cytogenetic location: 8q24.3.
Variant type: single nucleotide variant.
Coding change: c.1369G>A on transcript NM_004260.4 (MANE Select); coding-DNA position 1369, G replaced by A.
Protein change: p.Gly457Arg; replaces glycine 457 with arginine.
Molecular consequence: missense variant.
Genome position (GRCh38, 1-based): chr8:144,515,347, C>T on the plus strand (G>A on the coding strand, the complement: RECQL4 is on the minus strand). VCF-style: chr8-144515347-C-T. GRCh37 (hg19) VCF-style: chr8-145740731-C-T.
Other names: c.1369G>A (NM_004260.3); short protein forms G457R.
Identifiers: ClinVar variation 1371839 (VCV001371839.7), dbSNP rs750720279, ClinGen allele CA4948904.